The following is an entry in ClinVar:

NM_001029896.2(WDR45):c.862G>C (p.Gly288Arg)

Gene: WDR45 (WD repeat domain 45; minus strand). Cytogenetic location: Xp11.23.
Variant type: single nucleotide variant.
Coding change: c.862G>C on transcript NM_001029896.2 (MANE Select); coding-DNA position 862, G replaced by C.
Protein change: p.Gly288Arg; replaces glycine 288 with arginine.
Molecular consequence: missense variant.
Genome position (GRCh38, 1-based): chrX:49,075,247, C>G on the plus strand (G>C on the coding strand, the complement: WDR45 is on the minus strand). VCF-style: chrX-49075247-C-G. GRCh37 (hg19) VCF-style: chrX-48932906-C-G.
Other names: c.865G>C, p.Gly289Arg (NM_007075.4); short protein forms G288R, G289R.
Identifiers: ClinVar variation 3382602 (VCV003382602.2).

ClinVar aggregate classification (germline): Uncertain significance (1 of 4 stars; one submission).

Conditions:
Neurodegeneration with brain iron accumulation 5 (NBIA5). Also called: STATIC ENCEPHALOPATHY OF CHILDHOOD WITH NEURODEGENERATION IN ADULTHOOD; Beta-propeller protein-associated neurodegeneration. Identifiers: Orphanet 329284, MedGen C3550973, MONDO:0010476, OMIM 300894.

Submission:

Juno Genomics, Hangzhou Juno Genomics, Inc
Classification: Uncertain significance for Neurodegeneration with brain iron accumulation 5. Review status: criteria provided, single submitter. Criteria: ACMG Guidelines, 2015. Collection method: clinical testing. Allele origin: germline. Affected: yes.
Comment: Absent from controls (or at extremely low frequency if recessive) in Genome Aggregation Database, Exome Sequencing Project, 1000 Genomes Project, or Exome Aggregation Consortium.;Multiple lines of computational evidence support a deleterious effect on the gene or gene product (conservation, evolutionary, splicing impact, etc).